The following is an entry in ClinVar:

ClinVar aggregate classification (germline): Pathogenic (1 of 4 stars; one submission).

Submission:

Labcorp Genetics (formerly Invitae), Labcorp
Classification: Pathogenic. Last evaluated: 2022-06-18. Review status: criteria provided, single submitter. Criteria: Invitae Variant Classification Sherloc (09022015). Collection method: clinical testing. Allele origin: germline.
Comment: This premature translational stop signal has been observed in individual(s) with albinism (PMID: 28976636). This sequence change creates a premature translational stop signal (p.Tyr300Ilefs*22) in the HPS1 gene. It is expected to result in an absent or disrupted protein product. Loss-of-function variants in HPS1 are known to be pathogenic (PMID: 12442288, 16185271). This variant is not present in population databases (gnomAD no frequency). Algorithms developed to predict the effect of sequence changes on RNA splicing suggest that this variant may create or strengthen a splice site. For these reasons, this variant has been classified as Pathogenic.

Literature cited by the submitters: PubMed 28976636; PubMed 12442288; PubMed 16185271.

NM_000195.5(HPS1):c.898_925del (p.Tyr300fs)

Gene: HPS1 (HPS1 biogenesis of lysosomal organelles complex 3 subunit 1; minus strand). Cytogenetic location: 10q24.2.
Variant type: Deletion.
Coding change: c.898_925del on transcript NM_000195.5 (MANE Select); coding-DNA positions 898 to 925, 28 bases deleted (TACTTCACACCAGCTCCTTCCCCTGGCG).
Protein change: p.Tyr300fs; shifts the reading frame from tyrosine 300.
Molecular consequence: frameshift variant. On other transcripts: 5 prime UTR variant (3).
Genome position (GRCh38, 1-based): chr10:98,429,585-98,429,612, CGCCAGGGGAAGGAGCTGGTGTGAAGTA deleted on the plus strand (TACTTCACACCAGCTCCTTCCCCTGGCG on the coding strand, the reverse complement: HPS1 is on the minus strand); deleting any 28 consecutive bases within chr10:98,429,585-98,429,613 gives the same sequence; the c. name uses the placement nearest the transcript's 3' end. VCF-style (leftmost placement, unchanged base first): chr10-98429584-TCGCCAGGGGAAGGAGCTGGTGTGAAGTA-T. GRCh37 (hg19) VCF-style: chr10-100189341-TCGCCAGGGGAAGGAGCTGGTGTGAAGTA-T.
Other names: c.-75_-48del (NM_001311345.2, NM_001322487.2, NM_001322489.2); c.898_925del, p.Tyr300fs (NM_001322476.2, NM_001322477.2, NM_182639.4); c.799_826del, p.Tyr267fs (NM_001322478.2, NM_001322479.2, NM_001322491.2); c.637_664del, p.Tyr213fs (NM_001322480.2, NM_001322481.2); c.538_565del, p.Tyr180fs (NM_001322482.2); c.529_556del, p.Tyr177fs (NM_001322483.2, NM_001322484.2); c.430_457del, p.Tyr144fs (NM_001322485.2); c.780_807del, p.Ser260fs (NM_001322490.2); and 1 more; short protein forms Y180fs, S260fs, Y177fs, Y267fs, Y300fs, S227fs, Y144fs, Y213fs.
Identifiers: ClinVar variation 1917905 (VCV001917905.5), dbSNP rs2538896849, ClinGen allele CA2580082551.
Genomic context (GRCh38, chr10:98,429,584, plus strand): 5'-GTCGCTCGCAGCTAGCTATTGTTTCCTCCTGCTTTCCTCCGGTCCTCACCTGAGCTCTGA[TCGCCAGGGGAAGGAGCTGGTGTGAAGTA>T]CTCCTCAGGGAGGGAGAAGCTGTCTGTCTCCTGGAATGGAGAAGGTGGCTCAGGTTGAGA-3'